The following is an entry in ClinVar:

NM_001378778.1(MPDZ):c.3023C>T (p.Thr1008Ile)

Gene: MPDZ (multiple PDZ domain crumbs cell polarity complex component; minus strand). Cytogenetic location: 9p23.
Variant type: single nucleotide variant.
Coding change: c.3023C>T on transcript NM_001378778.1 (MANE Select); coding-DNA position 3023, C replaced by T.
Protein change: p.Thr1008Ile; replaces threonine 1008 with isoleucine.
Molecular consequence: missense variant.
Genome position (GRCh38, 1-based): chr9:13,175,784, G>A on the plus strand (C>T on the coding strand, the complement: MPDZ is on the minus strand). VCF-style: chr9-13175784-G-A. GRCh37 (hg19) VCF-style: chr9-13175783-G-A.
Other names: c.3023C>T, p.Thr1008Ile (NM_001261406.2, NM_001261407.2, NM_001330637.2 and 14 more transcripts); short protein forms T1008I.
Identifiers: ClinVar variation 1463857 (VCV001463857.8), dbSNP rs2134170864, ClinGen allele CA372934718.
Genomic context (GRCh38, chr9:13,175,784, plus strand): 5'-AGGTATATGAGGAAAATGAGAAACTTACCTAGGCTAGAATTGCCTTTTGCTATATTAATA[G>A]TCCTTTCAAAAGATTCTTTAGATACATTTTGAAGCATGACACACTCAGCATTACAGGCCA-3'
Protein context (NP_001365707.1, residues 998-1018): QNVSKESFER[Thr1008Ile]INIAKGNSSL

ClinVar aggregate classification (germline): Uncertain significance (1 of 4 stars; one submission).

Allele frequency attached by ClinVar (database versions not stated): gnomAD exomes below 0.00001.

Submission:

Labcorp Genetics (formerly Invitae), Labcorp
Classification: Uncertain significance. Last evaluated: 2021-03-24. Review status: criteria provided, single submitter. Criteria: Invitae Variant Classification Sherloc (09022015). Collection method: clinical testing. Allele origin: germline.
Comment: In summary, the available evidence is currently insufficient to determine the role of this variant in disease. Therefore, it has been classified as a Variant of Uncertain Significance. Algorithms developed to predict the effect of missense changes on protein structure and function are either unavailable or do not agree on the potential impact of this missense change (SIFT: "Deleterious"; PolyPhen-2: "Benign"; Align-GVGD: "Class C65"). This variant has not been reported in the literature in individuals with MPDZ-related conditions. This variant is not present in population databases (ExAC no frequency). This sequence change replaces threonine with isoleucine at codon 1008 of the MPDZ protein (p.Thr1008Ile). The threonine residue is highly conserved and there is a moderate physicochemical difference between threonine and isoleucine.